The following is an entry in ClinVar:

NM_001171613.2(PREPL):c.220G>C (p.Val74Leu)

Gene: PREPL (prolyl endopeptidase like; minus strand). Cytogenetic location: 2p21.
Variant type: single nucleotide variant.
Coding change: c.220G>C on transcript NM_001171613.2 (MANE Select); coding-DNA position 220, G replaced by C.
Protein change: p.Val74Leu; replaces valine 74 with leucine.
Molecular consequence: missense variant.
Genome position (GRCh38, 1-based): chr2:44,343,874, C>G on the plus strand (G>C on the coding strand, the complement: PREPL is on the minus strand). VCF-style: chr2-44343874-C-G. GRCh37 (hg19) VCF-style: chr2-44571013-C-G.
Other names: c.487G>C, p.Val163Leu (NM_001042385.2, NM_001042386.2, NM_001171603.1 and 4 more transcripts); c.220G>C, p.Val74Leu (NM_001171617.1, NM_001374277.1); short protein forms V163L, V74L.
Identifiers: ClinVar variation 1509625 (VCV001509625.6), dbSNP rs370857739, ClinGen allele CA346693502.
Genomic context (GRCh38, chr2:44,343,874, plus strand): 5'-TAGATGCTTCAGAATCTTCAGTTCTTATCTTGGCAGCCACATATTTTTCATCTGGAGCAA[C>G]TCTGATACAATCAATGAAGGGCTGGTCTAACTTAAGTTCCTCCAAATTGAATAAAACTTC-3'
Protein context (NP_001165084.1, residues 64-84): LDQPFIDCIR[Val74Leu]APDEKYVAAK

ClinVar aggregate classification (germline): Uncertain significance (1 of 4 stars; one submission).

Conditions:
Myasthenic syndrome, congenital, 22 (CMS22). Also called: PREPL DEFICIENCY. Identifiers: MedGen C4479088, MONDO:0044299, OMIM 616224.

Submission:

Labcorp Genetics (formerly Invitae), Labcorp
Classification: Uncertain significance for Myasthenic syndrome, congenital, 22. Last evaluated: 2021-08-02. Review status: criteria provided, single submitter. Criteria: Invitae Variant Classification Sherloc (09022015). Collection method: clinical testing. Allele origin: germline.
Comment: In summary, the available evidence is currently insufficient to determine the role of this variant in disease. Therefore, it has been classified as a Variant of Uncertain Significance. Algorithms developed to predict the effect of missense changes on protein structure and function are either unavailable or do not agree on the potential impact of this missense change (SIFT: "Deleterious"; PolyPhen-2: "Benign"; Align-GVGD: "Class C0"). This variant has not been reported in the literature in individuals affected with PREPL-related conditions. This variant is not present in population databases (ExAC no frequency). This sequence change replaces valine with leucine at codon 163 of the PREPL protein (p.Val163Leu). The valine residue is highly conserved and there is a small physicochemical difference between valine and leucine.